The following is an entry in ClinVar:

ClinVar aggregate classification (germline): Uncertain significance (1 of 4 stars; one submission).

gnomAD v4.1: 13 of 1,560,190 alleles (0.00083%); highest among the groups gnomAD compares: Admixed American, 0.0018%; no homozygotes.

Submission:

Ambry Genetics
Classification: Uncertain significance. Last evaluated: 2025-01-13. Review status: criteria provided, single submitter. Criteria: Ambry Variant Classification Scheme 2023. Collection method: clinical testing. Allele origin: germline.
Comment: The p.L206F variant (also known as c.616C>T), located in coding exon 6 of the RAD51B gene, results from a C to T substitution at nucleotide position 616. The leucine at codon 206 is replaced by phenylalanine, an amino acid with highly similar properties. This amino acid position is conserved. In addition, the in silico prediction for this alteration is inconclusive. Based on the available evidence, the clinical significance of this variant remains unclear.

NM_133510.4(RAD51B):c.616C>T (p.Leu206Phe)

Gene: RAD51B (RAD51 paralog B; plus strand). Cytogenetic location: 14q24.1.
Variant type: single nucleotide variant.
Coding change: c.616C>T on transcript NM_133510.4 (MANE Select); coding-DNA position 616, C replaced by T.
Protein change: p.Leu206Phe; replaces leucine 206 with phenylalanine.
Molecular consequence: missense variant.
Genome position (GRCh38, 1-based): chr14:67,887,064, C>T. VCF-style: chr14-67887064-C-T. GRCh37 (hg19) VCF-style: chr14-68353781-C-T.
Other names: c.616C>T, p.Leu206Phe (NM_001321818.2, NM_001321819.1, NM_001321821.2 and 6 more transcripts); c.502C>T, p.Leu168Phe (NM_001321815.1); c.259C>T, p.Leu87Phe (NM_001321817.2); short protein forms L206F, L168F, L87F.
Identifiers: ClinVar variation 3786415 (VCV003786415.1).
Genomic context (GRCh38, chr14:67,887,064, plus strand): 5'-AAATTCTTCTTTTATAGGATTGAATCTTTGGAAGAAGAAATTATCTCAAAAGGAATTAAA[C>T]TTGTGATTCTTGACTCTGTTGCTTCTGTGGTCAGAAAGGAGTTTGATGCACAACTTCAAG-3'
Protein context (NP_598194.1, residues 196-216): EEEIISKGIK[Leu206Phe]VILDSVASVV